The following is an entry in ClinVar:

NM_001130438.3(SPTAN1):c.5880C>T (p.Asn1960=)

Gene: SPTAN1 (spectrin alpha, non-erythrocytic 1; plus strand). Cytogenetic location: 9q34.11.
Variant type: single nucleotide variant.
Coding change: c.5880C>T on transcript NM_001130438.3 (MANE Select); coding-DNA position 5880, C replaced by T.
Protein change: p.Asn1960=; no amino-acid change (asparagine 1960 retained).
Molecular consequence: synonymous variant.
Genome position (GRCh38, 1-based): chr9:128,624,375, C>T. VCF-style: chr9-128624375-C-T. GRCh37 (hg19) VCF-style: chr9-131386654-C-T.
Other names: c.5805C>T, p.Asn1935= (NM_001195532.2); c.5880C>T, p.Asn1960= (NM_001363759.2); c.5820C>T, p.Asn1940= (NM_001363765.2); c.5865C>T, p.Asn1955= (NM_003127.4).
Identifiers: ClinVar variation 512362 (VCV000512362.11), dbSNP rs372782253, ClinGen allele CA5265588.
Genomic context (GRCh38, chr9:128,624,375, plus strand): 5'-CTCCATGGCCTAGAACAATCACCATGAGGAGAACATCTCTTCAAAGATGAAGGGCCTGAA[C>T]GGGAAAGTGTCAGACCTGGAGAAAGCTGCAGCCCAGAGAAAGGCGAAGCTGGATGAGAAC-3'
Protein context (NP_001123910.1, residues 1950-1970): ENISSKMKGL[Asn1960=]GKVSDLEKAA

ClinVar aggregate classification (germline): Conflicting classifications of pathogenicity. Review status: criteria provided, conflicting classifications (1 of 4 stars). 4 submissions from 4 submitters: Uncertain significance (1); Likely benign (3). Last evaluated 2023-12-19.

Conditions:
Inborn genetic diseases. Identifiers: MedGen C0950123, MeSH D030342.
Early-infantile DEE. Also called: Early infantile epileptic encephalopathy; Ohtahara syndrome; Early infantile epileptic encephalopathy with suppression bursts. Identifiers: Orphanet 1934, MedGen C0393706, MONDO:0800491.

Allele frequency attached by ClinVar (database versions not stated): gnomAD 0.00001; gnomAD exomes 0.00001; TOPMed 0.00001; ExAC 0.00002; ESP Exome Variant Server 0.00008.
gnomAD v4.1: 21 of 1,613,822 alleles (0.0013%); highest among the groups gnomAD compares: South Asian, 0.0033%; no homozygotes.

Submissions (4):

Revvity Omics, Revvity
Classification: Uncertain significance. Last evaluated: 2023-12-19. Review status: criteria provided, single submitter. Criteria: ACMG Guidelines, 2015. Collection method: clinical testing. Allele origin: germline.

Labcorp Genetics (formerly Invitae), Labcorp
Classification: Likely benign for Early-infantile DEE. Last evaluated: 2023-12-11. Review status: criteria provided, single submitter. Criteria: Invitae Variant Classification Sherloc (09022015). Collection method: clinical testing. Allele origin: germline.

Ambry Genetics
Classification: Likely benign for Inborn genetic diseases. Last evaluated: 2017-11-27. Review status: criteria provided, single submitter. Criteria: Ambry Variant Classification Scheme 2023. Collection method: clinical testing. Allele origin: germline.

GeneDx
Classification: Likely benign. Last evaluated: 2017-09-28. Review status: criteria provided, single submitter. Criteria: GeneDx Variant Classification (06012015). Collection method: clinical testing. Allele origin: germline. Affected: yes.
Comment: This variant is considered likely benign or benign based on one or more of the following criteria: it is a conservative change, it occurs at a poorly conserved position in the protein, it is predicted to be benign by multiple in silico algorithms, and/or has population frequency not consistent with disease.